The following is an entry in ClinVar:

ClinVar aggregate classification (germline): Uncertain significance. Review status: criteria provided, multiple submitters, no conflicts (2 of 4 stars). 2 submissions from 2 submitters: Uncertain significance (2). Last evaluated 2025-11-26.

Conditions:
Inborn genetic diseases. Identifiers: MedGen C0950123, MeSH D030342.

gnomAD v4.1: 3 of 1,613,482 alleles (0.00019%); highest among the groups gnomAD compares: Admixed American, 0.005%; no homozygotes.

Submissions (2):

Ambry Genetics
Classification: Uncertain significance for Inborn genetic diseases. Last evaluated: 2025-11-26. Review status: criteria provided, single submitter. Criteria: Ambry Variant Classification Scheme 2023. Collection method: clinical testing. Allele origin: germline.

Labcorp Genetics (formerly Invitae), Labcorp
Classification: Uncertain significance. Last evaluated: 2025-03-07. Review status: criteria provided, single submitter. Criteria: Invitae Variant Classification Sherloc (09022015). Collection method: clinical testing. Allele origin: germline.
Comment: This sequence change replaces serine, which is neutral and polar, with phenylalanine, which is neutral and non-polar, at codon 354 of the CFH protein (p.Ser354Phe). This variant is present in population databases (no rsID available, gnomAD 0.009%). This variant has not been reported in the literature in individuals affected with CFH-related conditions. An algorithm developed to predict the effect of missense changes on protein structure and function (PolyPhen-2) suggests that this variant is likely to be tolerated. In summary, the available evidence is currently insufficient to determine the role of this variant in disease. Therefore, it has been classified as a Variant of Uncertain Significance.

NM_000186.4(CFH):c.1061C>T (p.Ser354Phe)

Gene: CFH (complement factor H; plus strand). Cytogenetic location: 1q31.3.
Variant type: single nucleotide variant.
Coding change: c.1061C>T on transcript NM_000186.4 (MANE Select); coding-DNA position 1061, C replaced by T.
Protein change: p.Ser354Phe; replaces serine 354 with phenylalanine.
Molecular consequence: missense variant.
Genome position (GRCh38, 1-based): chr1:196,689,516, C>T. VCF-style: chr1-196689516-C-T. GRCh37 (hg19) VCF-style: chr1-196658646-C-T.
Other names: c.1061C>T, p.Ser354Phe (NM_001014975.3); short protein forms S354F.
Identifiers: ClinVar variation 4614207 (VCV004614207.2).